The following is an entry in ClinVar:

NM_000026.4(ADSL):c.32A>T (p.Asp11Val)

Gene: ADSL (adenylosuccinate lyase; plus strand). Cytogenetic location: 22q13.1.
Variant type: single nucleotide variant.
Coding change: c.32A>T on transcript NM_000026.4 (MANE Select); coding-DNA position 32, A replaced by T.
Protein change: p.Asp11Val; replaces aspartic acid 11 with valine.
Molecular consequence: missense variant. On other transcripts: 5 prime UTR variant (1), non-coding transcript variant (1).
Genome position (GRCh38, 1-based): chr22:40,346,590, A>T. VCF-style: chr22-40346590-A-T. GRCh37 (hg19) VCF-style: chr22-40742594-A-T.
Other names: c.32A>T, p.Asp11Val (NM_001123378.3, NM_001363840.3); c.-106A>T (NM_001317923.2); short protein forms D11V.
Identifiers: ClinVar variation 383132 (VCV000383132.13), dbSNP rs368501116, ClinGen allele CA10247591.

ClinVar aggregate classification (germline): Uncertain significance. Review status: criteria provided, multiple submitters, no conflicts (2 of 4 stars). 3 submissions from 3 submitters: Uncertain significance (3). Last evaluated 2025-10-25.

Conditions:
Adenylosuccinate lyase deficiency (ADSLD). Also called: ADSL DEFICIENCY. Identifiers: Orphanet 46, MedGen C0268126, MONDO:0007068, OMIM 103050.

Allele frequency attached by ClinVar (database versions not stated): ExAC 0.00003; TOPMed 0.00005; gnomAD 0.00006; ESP Exome Variant Server 0.00008; gnomAD exomes 0.00002.
gnomAD v4.1: 46 of 1,606,574 alleles (0.0029%); highest among the groups gnomAD compares: Non-Finnish European, 0.0038%; no homozygotes.

Submissions (3):

GeneDx
Classification: Uncertain significance. Last evaluated: 2025-10-25. Review status: criteria provided, single submitter. Criteria: GeneDx Variant Classification Process June 2021. Collection method: clinical testing. Allele origin: germline. Affected: yes.
Comment: Not observed at significant frequency in large population cohorts (gnomAD); In silico analysis suggests that this missense variant does not alter protein structure/function; Has not been previously published as pathogenic or benign to our knowledge

Blueprint Genetics
Classification: Uncertain significance. Last evaluated: 2024-10-10. Review status: criteria provided, single submitter. Criteria: ACMG Guidelines, 2015. Collection method: clinical testing. Allele origin: germline.

Labcorp Genetics (formerly Invitae), Labcorp
Classification: Uncertain significance for Adenylosuccinate lyase deficiency. Last evaluated: 2022-08-23. Review status: criteria provided, single submitter. Criteria: Invitae Variant Classification Sherloc (09022015). Collection method: clinical testing. Allele origin: germline.
Comment: This sequence change replaces aspartic acid, which is acidic and polar, with valine, which is neutral and non-polar, at codon 11 of the ADSL protein (p.Asp11Val). This variant is present in population databases (rs368501116, gnomAD 0.006%). This variant has not been reported in the literature in individuals affected with ADSL-related conditions. ClinVar contains an entry for this variant (Variation ID: 383132). Advanced modeling of protein sequence and biophysical properties (such as structural, functional, and spatial information, amino acid conservation, physicochemical variation, residue mobility, and thermodynamic stability) performed at Invitae indicates that this missense variant is not expected to disrupt ADSL protein function. In summary, the available evidence is currently insufficient to determine the role of this variant in disease. Therefore, it has been classified as a Variant of Uncertain Significance.